The following is an entry in ClinVar:

ClinVar aggregate classification (germline): Benign/Likely benign. Review status: criteria provided, multiple submitters, no conflicts (2 of 4 stars). 3 submissions from 3 submitters: Benign (1); Likely benign (2). Last evaluated 2026-08-18.

Conditions:
DICER1-related tumor predisposition. Also called: DICER1 syndrome; DICER1-related pleuropulmonary blastoma cancer predisposition syndrome. Identifiers: Orphanet 284343, MedGen C3839822, MONDO:0100216.
Hereditary cancer-predisposing syndrome. Also called: Tumor predisposition; Neoplastic Syndromes, Hereditary; Hereditary Cancer Syndrome; Hereditary neoplastic syndrome. Identifiers: Orphanet 140162, MedGen C0027672, MeSH D009386, MONDO:0015356.

Allele frequency attached by ClinVar (database versions not stated): gnomAD exomes 0.00005 and 0.00001; gnomAD 0.00002 and 0.00003; TOPMed 0.00001; ExAC 0.00004; 1000 Genomes Project 0.00020; 1000 Genomes Project 30x 0.00031.
gnomAD v4.1: 24 of 1,614,090 alleles (0.0015%); highest among the groups gnomAD compares: South Asian, 0.016%; 1 homozygote.

Submissions (3):

Myriad Genetics, Inc.
Classification: Benign for DICER1-related tumor predisposition. Last evaluated: 2026-08-18. Review status: criteria provided, single submitter. Criteria: Myriad Autosomal Dominant, Autosomal Recessive and X-Linked Classification Criteria (2023). Collection method: clinical testing. Allele origin: unknown.
Comment: This variant is considered benign. This variant is a silent/synonymous amino acid change and it is not expected to impact splicing.

Labcorp Genetics (formerly Invitae), Labcorp
Classification: Likely benign for DICER1-related tumor predisposition. Last evaluated: 2025-10-06. Review status: criteria provided, single submitter. Criteria: Invitae Variant Classification Sherloc (09022015). Collection method: clinical testing. Allele origin: germline.

Ambry Genetics
Classification: Likely benign for Hereditary cancer-predisposing syndrome. Last evaluated: 2017-05-17. Review status: criteria provided, single submitter. Criteria: Ambry Variant Classification Scheme 2023. Collection method: clinical testing. Allele origin: germline.

NM_177438.3(DICER1):c.1779G>A (p.Ser593=)

Gene: DICER1 (dicer 1, ribonuclease III; minus strand). Cytogenetic location: 14q32.13.
Variant type: single nucleotide variant.
Coding change: c.1779G>A on transcript NM_177438.3 (MANE Select); coding-DNA position 1779, G replaced by A.
Protein change: p.Ser593=; no amino-acid change (serine 593 retained).
Molecular consequence: synonymous variant.
Genome position (GRCh38, 1-based): chr14:95,115,795, C>T on the plus strand (G>A on the coding strand, the complement: DICER1 is on the minus strand). VCF-style: chr14-95115795-C-T. GRCh37 (hg19) VCF-style: chr14-95582132-C-T.
Other names: c.1779G>A, p.Ser593= (NM_001195573.1, NM_001271282.3, NM_001291628.2 and 1 more transcripts).
Identifiers: ClinVar variation 477061 (VCV000477061.18), dbSNP rs531307350, ClinGen allele CA7331401.